The following is an entry in ClinVar:

ClinVar aggregate classification (germline): Uncertain significance. Review status: criteria provided, multiple submitters, no conflicts (2 of 4 stars). 2 submissions from 2 submitters: Uncertain significance (2). Last evaluated 2024-02-27.

Conditions:
Glycogen storage disease XV (GSD15). Also called: GLYCOGENIN DEFICIENCY; GSD XV. Identifiers: Orphanet 263297, MedGen C3150754, MONDO:0013291, OMIM 613507.
Polyglucosan body myopathy type 2. Identifiers: Orphanet 456369, MedGen C4015452, MONDO:0014526, OMIM 616199.
Inborn genetic diseases. Identifiers: MedGen C0950123, MeSH D030342.

Allele frequency attached by ClinVar (database versions not stated): gnomAD 0.00001; ExAC 0.00002; TOPMed 0.00002.
gnomAD v4.1: 17 of 1,613,974 alleles (0.0011%); highest among the groups gnomAD compares: African/African-American, 0.0067%; no homozygotes.

Submissions (2):

Ambry Genetics
Classification: Uncertain significance for Inborn genetic diseases. Last evaluated: 2024-02-27. Review status: criteria provided, single submitter. Criteria: Ambry Variant Classification Scheme 2023. Collection method: clinical testing. Allele origin: germline.

Labcorp Genetics (formerly Invitae), Labcorp
Classification: Uncertain significance for Polyglucosan body myopathy type 2; Glycogen storage disease XV. Last evaluated: 2022-05-30. Review status: criteria provided, single submitter. Criteria: Invitae Variant Classification Sherloc (09022015). Collection method: clinical testing. Allele origin: germline.
Comment: Algorithms developed to predict the effect of missense changes on protein structure and function are either unavailable or do not agree on the potential impact of this missense change (SIFT: "Tolerated"; PolyPhen-2: "Possibly Damaging"; Align-GVGD: "Class C0"). This variant has not been reported in the literature in individuals affected with GYG1-related conditions. This variant is present in population databases (rs567555713, gnomAD 0.01%). This sequence change replaces arginine, which is basic and polar, with glutamine, which is neutral and polar, at codon 324 of the GYG1 protein (p.Arg324Gln). In summary, the available evidence is currently insufficient to determine the role of this variant in disease. Therefore, it has been classified as a Variant of Uncertain Significance.

NM_004130.4(GYG1):c.971G>A (p.Arg324Gln)

Gene: GYG1 (glycogenin 1; plus strand). Cytogenetic location: 3q24.
Variant type: single nucleotide variant.
Coding change: c.971G>A on transcript NM_004130.4 (MANE Select); coding-DNA position 971, G replaced by A.
Protein change: p.Arg324Gln; replaces arginine 324 with glutamine.
Molecular consequence: missense variant.
Genome position (GRCh38, 1-based): chr3:149,026,851, G>A. VCF-style: chr3-149026851-G-A. GRCh37 (hg19) VCF-style: chr3-148744638-G-A.
Other names: c.971G>A (NM_004130.3); c.920G>A, p.Arg307Gln (NM_001184720.2); c.700G>A, p.Asp234Asn (NM_001184721.2); short protein forms D234N, R324Q, R307Q.
Identifiers: ClinVar variation 1982897 (VCV001982897.5), dbSNP rs567555713, ClinGen allele CA2658727.